The following is an entry in ClinVar:

NM_000175.5(GPI):c.840C>T (p.Ile280=)

Gene: GPI (glucose-6-phosphate isomerase; plus strand). Cytogenetic location: 19q13.11.
Variant type: single nucleotide variant.
Coding change: c.840C>T on transcript NM_000175.5 (MANE Select); coding-DNA position 840, C replaced by T.
Protein change: p.Ile280=; no amino-acid change (isoleucine 280 retained).
Molecular consequence: synonymous variant.
Genome position (GRCh38, 1-based): chr19:34,393,283, C>T. VCF-style: chr19-34393283-C-T. GRCh37 (hg19) VCF-style: chr19-34884188-C-T.
Other names: c.873C>T, p.Ile291= (NM_001184722.1); c.957C>T, p.Ile319= (NM_001289789.1); c.756C>T, p.Ile252= (NM_001289790.3); c.840C>T, p.Ile280= (NM_001329909.1, NM_001329910.1, NM_001329911.2).
Identifiers: ClinVar variation 3770691 (VCV003770691.13).

ClinVar aggregate classification (germline): Likely benign (1 of 4 stars; one submission).

gnomAD v4.1: 49 of 1,613,324 alleles (0.003%); highest among the groups gnomAD compares: African/African-American, 0.048%; no homozygotes.

Submission:

CeGaT Center for Human Genetics Tuebingen
Classification: Likely benign. Last evaluated: 2024-12-01. Review status: criteria provided, single submitter. Criteria: CeGaT Center For Human Genetics Tuebingen Variant Classification Criteria Version 2. Collection method: clinical testing. Allele origin: germline. Affected: yes. Observed: 1 variant allele.
Comment: GPI: BP4, BP7